The following is an entry in ClinVar:

NM_001042492.3(NF1):c.4320G>C (p.Lys1440Asn)

Gene: NF1 (neurofibromin 1; plus strand). Cytogenetic location: 17q11.2.
Variant type: single nucleotide variant.
Coding change: c.4320G>C on transcript NM_001042492.3 (MANE Select); coding-DNA position 4320, G replaced by C.
Protein change: p.Lys1440Asn; replaces lysine 1440 with asparagine.
Molecular consequence: missense variant.
Genome position (GRCh38, 1-based): chr17:31,258,490, G>C. VCF-style: chr17-31258490-G-C. GRCh37 (hg19) VCF-style: chr17-29585508-G-C.
Other names: c.4257G>C, p.Lys1419Asn (NM_000267.4); short protein forms K1419N, K1440N.
Identifiers: ClinVar variation 3572036 (VCV003572036.2).

ClinVar aggregate classification (germline): Conflicting classifications of pathogenicity. Review status: criteria provided, conflicting classifications (1 of 4 stars). 2 submissions from 2 submitters: Likely pathogenic (1); Uncertain significance (1). Last evaluated 2025-11-01.

Conditions:
Neurofibromatosis, type 1 (NF1). Also called: Neurofibromatosis, type I; VON RECKLINGHAUSEN DISEASE; Peripheral type neurofibromatosis; NEUROFIBROMATOSIS, TYPE I, SOMATIC. Identifiers: Orphanet 636, MedGen C0027831, MONDO:0018975, OMIM 162200. Disease mechanism: loss of function.

Submissions (2):

Labcorp Genetics (formerly Invitae), Labcorp
Classification: Likely pathogenic for Neurofibromatosis, type 1. Last evaluated: 2025-11-01. Review status: criteria provided, single submitter. Criteria: Invitae Variant Classification Sherloc (09022015). Collection method: clinical testing. Allele origin: germline.
Comment: This sequence change replaces lysine, which is basic and polar, with asparagine, which is neutral and polar, at codon 1419 of the NF1 protein (p.Lys1419Asn). This variant is not present in population databases (gnomAD no frequency). This missense change has been observed in individual(s) with NF1-related conditions (internal data). ClinVar contains an entry for this variant (Variation ID: 3572036). Invitae Evidence Modeling of protein sequence and biophysical properties (such as structural, functional, and spatial information, amino acid conservation, physicochemical variation, residue mobility, and thermodynamic stability) indicates that this missense variant is expected to disrupt NF1 protein function with a positive predictive value of 95%. This variant disrupts the p.Lys1419 amino acid residue in NF1. Other variant(s) that disrupt this residue have been determined to be pathogenic (internal data). This suggests that this residue is clinically significant, and that variants that disrupt this residue are likely to be disease-causing. In summary, the currently available evidence indicates that the variant is pathogenic, but additional data are needed to prove that conclusively. Therefore, this variant has been classified as Likely Pathogenic.

Quest Diagnostics Nichols Institute San Juan Capistrano
Classification: Uncertain significance. Last evaluated: 2024-07-17. Review status: criteria provided, single submitter. Criteria: Quest Diagnostics criteria. Collection method: clinical testing. Allele origin: unknown.